The following is an entry in ClinVar:

ClinVar aggregate classification (germline): Uncertain significance (1 of 4 stars; one submission).

Submission:

Labcorp Genetics (formerly Invitae), Labcorp
Classification: Uncertain significance. Last evaluated: 2025-10-10. Review status: criteria provided, single submitter. Criteria: Invitae Variant Classification Sherloc (09022015). Collection method: clinical testing. Allele origin: germline.
Comment: This sequence change replaces glutamic acid, which is acidic and polar, with lysine, which is basic and polar, at codon 520 of the SLC27A4 protein (p.Glu520Lys). This variant is present in population databases (no rsID available, gnomAD 0.003%). This variant has not been reported in the literature in individuals affected with SLC27A4-related conditions. Invitae Evidence Modeling of protein sequence and biophysical properties (such as structural, functional, and spatial information, amino acid conservation, physicochemical variation, residue mobility, and thermodynamic stability) indicates that this missense variant is expected to disrupt SLC27A4 protein function with a positive predictive value of 80%. In summary, the available evidence is currently insufficient to determine the role of this variant in disease. Therefore, it has been classified as a Variant of Uncertain Significance.

NM_005094.4(SLC27A4):c.1558G>A (p.Glu520Lys)

Gene: SLC27A4 (solute carrier family 27 member 4; plus strand). Cytogenetic location: 9q34.11.
Variant type: single nucleotide variant.
Coding change: c.1558G>A on transcript NM_005094.4 (MANE Select); coding-DNA position 1558, G replaced by A.
Protein change: p.Glu520Lys; replaces glutamic acid 520 with lysine.
Molecular consequence: missense variant.
Genome position (GRCh38, 1-based): chr9:128,355,493, G>A. VCF-style: chr9-128355493-G-A. GRCh37 (hg19) VCF-style: chr9-131117772-G-A.
Other names: short protein forms E520K.
Identifiers: ClinVar variation 4779961 (VCV004779961.1).
Genomic context (GRCh38, chr9:128,355,493, plus strand): 5'-TACTTCCGAGACCGCACTGGGGACACGTTCCGCTGGAAAGGTGAGAACGTGTCCACCACC[G>A]AGGTGGAAGGCACACTCAGCCGCCTGCTGGACATGGCTGACGTGGCCGTGTATGGTGTCG-3'
Protein context (NP_005085.2, residues 510-530): RWKGENVSTT[Glu520Lys]VEGTLSRLLD